The following is an entry in ClinVar:

NM_022124.6(CDH23):c.8188C>G (p.Pro2730Ala)

Gene: CDH23 (cadherin related 23; plus strand). Cytogenetic location: 10q22.1.
Variant type: single nucleotide variant.
Coding change: c.8188C>G on transcript NM_022124.6 (MANE Select); coding-DNA position 8188, C replaced by G.
Protein change: p.Pro2730Ala; replaces proline 2730 with alanine.
Molecular consequence: missense variant.
Genome position (GRCh38, 1-based): chr10:71,807,286, C>G. VCF-style: chr10-71807286-C-G. GRCh37 (hg19) VCF-style: chr10-73567043-C-G.
Other names: c.8188C>G (NM_022124.5); c.1468C>G, p.Pro490Ala (NM_001171933.1, NM_001171934.1); short protein forms P2730A, P490A.
Identifiers: ClinVar variation 1440693 (VCV001440693.8), dbSNP rs749820300, ClinGen allele CA5546573.
Genomic context (GRCh38, chr10:71,807,286, plus strand): 5'-AGCTCGGGTCTTCCCTTGGCCCCATGTGATGACATCCCCCTCCCTCTGCAGAAAGGCAGC[C>G]CCCAGTACCAGCTGCTGACAGTGCCTGAGCACTCACCACGCGGCACCCTCGTGGGCAACG-3'
Protein context (NP_071407.4, residues 2720-2740): PLFVRPPKGS[Pro2730Ala]QYQLLTVPEH

ClinVar aggregate classification (germline): Uncertain significance. Review status: criteria provided, multiple submitters, no conflicts (2 of 4 stars). 3 submissions from 3 submitters: Uncertain significance (3). Last evaluated 2025-03-15.

Conditions:
Inborn genetic diseases. Identifiers: MedGen C0950123, MeSH D030342.

Allele frequency attached by ClinVar (database versions not stated): ExAC 0.00001; TOPMed 0.00001; gnomAD 0.00002.
gnomAD v4.1: 7 of 1,613,556 alleles (0.00043%); highest among the groups gnomAD compares: African/African-American, 0.0093%; no homozygotes.

Submissions (3):

Ambry Genetics
Classification: Uncertain significance for Inborn genetic diseases. Last evaluated: 2025-03-15. Review status: criteria provided, single submitter. Criteria: Ambry Variant Classification Scheme 2023. Collection method: clinical testing. Allele origin: germline.

Labcorp Genetics (formerly Invitae), Labcorp
Classification: Uncertain significance. Last evaluated: 2024-10-24. Review status: criteria provided, single submitter. Criteria: Invitae Variant Classification Sherloc (09022015). Collection method: clinical testing. Allele origin: germline.
Comment: This sequence change replaces proline, which is neutral and non-polar, with alanine, which is neutral and non-polar, at codon 2730 of the CDH23 protein (p.Pro2730Ala). This variant is present in population databases (rs749820300, gnomAD 0.01%). This variant has not been reported in the literature in individuals affected with CDH23-related conditions. ClinVar contains an entry for this variant (Variation ID: 1440693). Invitae Evidence Modeling of protein sequence and biophysical properties (such as structural, functional, and spatial information, amino acid conservation, physicochemical variation, residue mobility, and thermodynamic stability) has been performed for this missense variant. However, the output from this modeling did not meet the statistical confidence thresholds required to predict the impact of this variant on CDH23 protein function. In summary, the available evidence is currently insufficient to determine the role of this variant in disease. Therefore, it has been classified as a Variant of Uncertain Significance.

GeneDx
Classification: Uncertain significance. Last evaluated: 2024-03-13. Review status: criteria provided, single submitter. Criteria: GeneDx Variant Classification Process June 2021. Collection method: clinical testing. Allele origin: germline. Affected: yes.
Comment: In silico analysis supports that this missense variant does not alter protein structure/function; Has not been previously published as pathogenic or benign to our knowledge